The following is an entry in ClinVar:

NM_014874.4(MFN2):c.1360C>A (p.Pro454Thr)

Gene: MFN2 (mitofusin 2; plus strand). Cytogenetic location: 1p36.22.
Variant type: single nucleotide variant.
Coding change: c.1360C>A on transcript NM_014874.4 (MANE Select); coding-DNA position 1360, C replaced by A.
Protein change: p.Pro454Thr; replaces proline 454 with threonine.
Molecular consequence: missense variant.
Genome position (GRCh38, 1-based): chr1:12,004,581, C>A. VCF-style: chr1-12004581-C-A. GRCh37 (hg19) VCF-style: chr1-12064638-C-A.
Other names: c.1360C>A, p.Pro454Thr (NM_001127660.2); short protein forms P454T.
Identifiers: ClinVar variation 2745278 (VCV002745278.3), dbSNP rs921986690, ClinGen allele CA338446326.

ClinVar aggregate classification (germline): Uncertain significance (1 of 4 stars; one submission).

Conditions:
Charcot-Marie-Tooth disease type 2. Also called: Charcot-Marie-Tooth type 2. Identifiers: Orphanet 64746, MedGen C0270914, MONDO:0018993.

Submission:

Labcorp Genetics (formerly Invitae), Labcorp
Classification: Uncertain significance for Charcot-Marie-Tooth disease type 2. Last evaluated: 2023-07-19. Review status: criteria provided, single submitter. Criteria: Invitae Variant Classification Sherloc (09022015). Collection method: clinical testing. Allele origin: germline.
Comment: Advanced modeling of protein sequence and biophysical properties (such as structural, functional, and spatial information, amino acid conservation, physicochemical variation, residue mobility, and thermodynamic stability) performed at Invitae indicates that this missense variant is expected to disrupt MFN2 protein function. In summary, the available evidence is currently insufficient to determine the role of this variant in disease. Therefore, it has been classified as a Variant of Uncertain Significance. This variant has not been reported in the literature in individuals affected with MFN2-related conditions. This sequence change replaces proline, which is neutral and non-polar, with threonine, which is neutral and polar, at codon 454 of the MFN2 protein (p.Pro454Thr). This variant is not present in population databases (gnomAD no frequency).